The following is an entry in ClinVar:

ClinVar aggregate classification (germline): Uncertain significance. Review status: criteria provided, multiple submitters, no conflicts (2 of 4 stars). 3 submissions from 3 submitters: Uncertain significance (3). Last evaluated 2026-03-11.

Conditions:
Cardiomyopathy (CMYO). Also called: Cardiomyopathies. Identifiers: Orphanet 167848, MedGen C0878544, MONDO:0004994, HP:0001638. Inheritance: Various modes of inheritance.
Arrhythmogenic right ventricular dysplasia 11. Also called: Arrhythmogenic Right Ventricular Dysplasia/Cardiomyopathy11; ARRHYTHMOGENIC RIGHT VENTRICULAR DYSPLASIA, FAMILIAL, 11; Arrhythmogenic right ventricular dysplasia 11 with mild palmoplantar keratoderma and woolly hair. Identifiers: MedGen C1864850, MONDO:0012506, OMIM 610476.
Cardiovascular phenotype. Identifiers: MedGen CN230736.

Submissions (3):

Ambry Genetics
Classification: Uncertain significance for Cardiovascular phenotype. Last evaluated: 2026-03-11. Review status: criteria provided, single submitter. Criteria: Ambry Variant Classification Scheme 2023. Collection method: clinical testing. Allele origin: germline.
Comment: The p.Y508C variant (also known as c.1523A>G), located in coding exon 11 of the DSC2 gene, results from an A to G substitution at nucleotide position 1523. The tyrosine at codon 508 is replaced by cysteine, an amino acid with highly dissimilar properties. This amino acid position is conserved. In addition, this alteration is predicted to be deleterious by in silico analysis. Based on the available evidence, the clinical significance of this variant remains unclear.

Color Diagnostics, LLC DBA Color Health
Classification: Uncertain significance for Cardiomyopathy. Last evaluated: 2025-08-22. Review status: criteria provided, single submitter. Criteria: ACMG Guidelines, 2015. Collection method: clinical testing. Allele origin: germline.
Comment: This missense variant replaces tyrosine with cysteine at codon 508 of the DSC2 protein. Computational prediction is inconclusive regarding the impact of this variant on protein structure and function. To our knowledge, functional studies have not been reported for this variant. This variant has not been reported in individuals affected with DSC2-related disorders in the literature. This variant has not been identified in the general population by the Genome Aggregation Database (gnomAD). The available evidence is insufficient to determine the role of this variant in disease conclusively. Therefore, this variant is classified as a Variant of Uncertain Significance.

Labcorp Genetics (formerly Invitae), Labcorp
Classification: Uncertain significance for Arrhythmogenic right ventricular dysplasia 11. Last evaluated: 2025-08-06. Review status: criteria provided, single submitter. Criteria: Invitae Variant Classification Sherloc (09022015). Collection method: clinical testing. Allele origin: germline.
Comment: This sequence change replaces tyrosine, which is neutral and polar, with cysteine, which is neutral and slightly polar, at codon 508 of the DSC2 protein (p.Tyr508Cys). This variant is not present in population databases (gnomAD no frequency). This variant has not been reported in the literature in individuals affected with DSC2-related conditions. ClinVar contains an entry for this variant (Variation ID: 1043200). An algorithm developed to predict the effect of missense changes on protein structure and function (PolyPhen-2) suggests that this variant is likely to be disruptive. In summary, the available evidence is currently insufficient to determine the role of this variant in disease. Therefore, it has been classified as a Variant of Uncertain Significance.

NM_024422.6(DSC2):c.1523A>G (p.Tyr508Cys)

Gene: DSC2 (desmocollin 2; minus strand). Cytogenetic location: 18q12.1.
Variant type: single nucleotide variant.
Coding change: c.1523A>G on transcript NM_024422.6 (MANE Select); coding-DNA position 1523, A replaced by G.
Protein change: p.Tyr508Cys; replaces tyrosine 508 with cysteine.
Molecular consequence: missense variant.
Genome position (GRCh38, 1-based): chr18:31,079,987, T>C on the plus strand (A>G on the coding strand, the complement: DSC2 is on the minus strand). VCF-style: chr18-31079987-T-C. GRCh37 (hg19) VCF-style: chr18-28659953-T-C.
Other names: c.1523A>G, p.Tyr508Cys (NM_004949.5); c.1523A>G (NM_024422.3); short protein forms Y508C.
Identifiers: ClinVar variation 1043200 (VCV001043200.8), dbSNP rs1987155402, ClinGen allele CA402108298.